The following is an entry in ClinVar:

ClinVar aggregate classification (germline): Uncertain significance (1 of 4 stars; one submission).

Conditions:
Epilepsy. Also called: Seizure disorder. Identifiers: MedGen C0014544, MeSH D004827, MONDO:0005027.

Allele frequency attached by ClinVar (database versions not stated): TOPMed below 0.00001; gnomAD exomes 0.00001.

Submission:

Labcorp Genetics (formerly Invitae), Labcorp
Classification: Uncertain significance for Epilepsy. Last evaluated: 2022-06-17. Review status: criteria provided, single submitter. Criteria: Invitae Variant Classification Sherloc (09022015). Collection method: clinical testing. Allele origin: germline.
Comment: In summary, the available evidence is currently insufficient to determine the role of this variant in disease. Therefore, it has been classified as a Variant of Uncertain Significance. Algorithms developed to predict the effect of missense changes on protein structure and function are either unavailable or do not agree on the potential impact of this missense change (SIFT: "Deleterious"; PolyPhen-2: "Probably Damaging"; Align-GVGD: "Class C0"). This variant has not been reported in the literature in individuals affected with PIGQ-related conditions. This variant is not present in population databases (gnomAD no frequency). This sequence change replaces serine, which is neutral and polar, with leucine, which is neutral and non-polar, at codon 193 of the PIGQ protein (p.Ser193Leu).

NM_004204.5(PIGQ):c.578C>T (p.Ser193Leu)

Gene: PIGQ (phosphatidylinositol glycan anchor biosynthesis class Q; plus strand). Cytogenetic location: 16p13.3.
Variant type: single nucleotide variant.
Coding change: c.578C>T on transcript NM_004204.5 (MANE Select); coding-DNA position 578, C replaced by T.
Protein change: p.Ser193Leu; replaces serine 193 with leucine.
Molecular consequence: missense variant.
Genome position (GRCh38, 1-based): chr16:574,652, C>T. VCF-style: chr16-574652-C-T. GRCh37 (hg19) VCF-style: chr16-624652-C-T.
Other names: c.578C>T, p.Ser193Leu (NM_148920.4); short protein forms S193L.
Identifiers: ClinVar variation 1438152 (VCV001438152.8), dbSNP rs2035689661, ClinGen allele CA394049412.
Genomic context (GRCh38, chr16:574,652, plus strand): 5'-AGGTGCTCTTCCGCAGTGACCGCTTTGATGAGGGCCCCGTGCGGCTGAGCCACTGGCAGT[C>T]GGAGGGCGTGGAGGCCAGCATCCTCGCGGAGCTGGCCAGGCGAGCCTCGGGACCCATTTG-3'
Protein context (NP_004195.2, residues 183-203): EGPVRLSHWQ[Ser193Leu]EGVEASILAE